The following is an entry in ClinVar:

ClinVar aggregate classification (germline): Uncertain significance. Review status: criteria provided, multiple submitters, no conflicts (2 of 4 stars). 2 submissions from 2 submitters: Uncertain significance (2). Last evaluated 2025-12-16.

Conditions:
Hereditary cancer-predisposing syndrome. Also called: Tumor predisposition; Neoplastic Syndromes, Hereditary; Hereditary Cancer Syndrome; Hereditary neoplastic syndrome. Identifiers: Orphanet 140162, MedGen C0027672, MeSH D009386, MONDO:0015356.
POLD1-related polyposis and colorectal cancer syndrome (CRCS10). Also called: Colorectal cancer 10; COLORECTAL CANCER, SUSCEPTIBILITY TO, ON CHROMOSOME 19q; Colorectal cancer, susceptibility to, 10. Identifiers: Orphanet 220460, MedGen C2675481, MONDO:0012953, OMIM 612591.

Allele frequency attached by ClinVar (database versions not stated): ExAC 0.00001; TOPMed 0.00001; ESP Exome Variant Server 0.00008.
gnomAD v4.1: 3 of 1,612,308 alleles (0.00019%); highest among the groups gnomAD compares: Non-Finnish European, 0.00017%; no homozygotes.

Submissions (2):

Labcorp Genetics (formerly Invitae), Labcorp
Classification: Uncertain significance for POLD1-related polyposis and colorectal cancer syndrome. Last evaluated: 2025-12-16. Review status: criteria provided, single submitter. Criteria: Invitae Variant Classification Sherloc (09022015). Collection method: clinical testing. Allele origin: germline.
Comment: This sequence change replaces glycine, which is neutral and non-polar, with cysteine, which is neutral and slightly polar, at codon 896 of the POLD1 protein (p.Gly896Cys). The frequency data for this variant in the population databases is considered unreliable, as metrics indicate poor data quality at this position in the gnomAD database. This variant has not been reported in the literature in individuals affected with POLD1-related conditions. ClinVar contains an entry for this variant (Variation ID: 568980). Invitae Evidence Modeling of protein sequence and biophysical properties (such as structural, functional, and spatial information, amino acid conservation, physicochemical variation, residue mobility, and thermodynamic stability) has been performed for this missense variant. However, the output from this modeling did not meet the statistical confidence thresholds required to predict the impact of this variant on POLD1 protein function. In summary, the available evidence is currently insufficient to determine the role of this variant in disease. Therefore, it has been classified as a Variant of Uncertain Significance.

Ambry Genetics
Classification: Uncertain significance for Hereditary cancer-predisposing syndrome. Last evaluated: 2024-12-07. Review status: criteria provided, single submitter. Criteria: Ambry Variant Classification Scheme 2023. Collection method: clinical testing. Allele origin: germline.
Comment: The p.G896C variant (also known as c.2686G>T), located in coding exon 20 of the POLD1 gene, results from a G to T substitution at nucleotide position 2686. The glycine at codon 896 is replaced by cysteine, an amino acid with highly dissimilar properties. This amino acid position is well conserved in available vertebrate species. In addition, this alteration is predicted to be tolerated by in silico analysis. Based on the available evidence, the clinical significance of this variant remains unclear.

NM_002691.4(POLD1):c.2686G>T (p.Gly896Cys)

Gene: POLD1 (DNA polymerase delta 1, catalytic subunit; plus strand). Cytogenetic location: 19q13.33.
Variant type: single nucleotide variant.
Coding change: c.2686G>T on transcript NM_002691.4 (MANE Select); coding-DNA position 2686, G replaced by T.
Protein change: p.Gly896Cys; replaces glycine 896 with cysteine.
Molecular consequence: missense variant. On other transcripts: non-coding transcript variant (1).
Genome position (GRCh38, 1-based): chr19:50,415,559, G>T. VCF-style: chr19-50415559-G-T. GRCh37 (hg19) VCF-style: chr19-50918816-G-T.
Other names: c.2686G>T, p.Gly896Cys (NM_001256849.1); c.2764G>T, p.Gly922Cys (NM_001308632.1); c.2686G>T (NM_002691.2); short protein forms G922C, G896C.
Identifiers: ClinVar variation 568980 (VCV000568980.10), dbSNP rs370557271, ClinGen allele CA9596611.